The following is an entry in ClinVar:

NM_000303.3(PMM2):c.17_28del (p.Pro6_Cys9del)

Gene: PMM2 (phosphomannomutase 2; plus strand). Cytogenetic location: 16p13.2.
Variant type: Deletion.
Coding change: c.17_28del on transcript NM_000303.3 (MANE Select); coding-DNA positions 17 to 28, 12 bases deleted (CAGCGCTCTGCC).
Protein change: p.Pro6_Cys9del.
Molecular consequence: inframe deletion.
Genome position (GRCh38, 1-based): chr16:8,797,899-8,797,910, CAGCGCTCTGCC deleted; deleting any 12 consecutive bases within chr16:8,797,896-8,797,910 gives the same sequence; the c. name uses the placement nearest the transcript's 3' end. VCF-style (leftmost placement, unchanged base first): chr16-8797895-GGCCCAGCGCTCT-G. GRCh37 (hg19) VCF-style: chr16-8891752-GGCCCAGCGCTCT-G.
Identifiers: ClinVar variation 2041195 (VCV002041195.4), dbSNP rs1278487078, ClinGen allele CA620726960.

ClinVar aggregate classification (germline): Pathogenic (1 of 4 stars; one submission).

Conditions:
PMM2-congenital disorder of glycosylation. Also called: JAEKEN SYNDROME; PHOSPHOMANNOMUTASE 2 DEFICIENCY; CDG Ia; PMM2-CDG; Congenital disorder of glycosylation, type Ia; CARBOHYDRATE-DEFICIENT GLYCOPROTEIN SYNDROME, TYPE Ia. Identifiers: Orphanet 79318, MedGen C0349653, MONDO:0008907, OMIM 212065.

Submission:

Labcorp Genetics (formerly Invitae), Labcorp
Classification: Pathogenic for PMM2-congenital disorder of glycosylation. Last evaluated: 2022-01-04. Review status: criteria provided, single submitter. Criteria: Invitae Variant Classification Sherloc (09022015). Collection method: clinical testing. Allele origin: germline.
Comment: For these reasons, this variant has been classified as Pathogenic. This variant disrupts a region of the PMM2 protein in which other variant(s) (p.Cys9Tyr) have been determined to be pathogenic (PMID: 10922383, 11715002). This suggests that this is a clinically significant region of the protein, and that variants that disrupt it are likely to be disease-causing. This variant has not been reported in the literature in individuals affected with PMM2-related conditions. This variant is present in population databases (no rsID available, gnomAD 0.1%). This variant, c.17_28del, results in the deletion of 4 amino acid(s) of the PMM2 protein (p.Pro6_Cys9del), but otherwise preserves the integrity of the reading frame.

Literature cited by the submitters: PubMed 10922383; PubMed 11715002.